The following is an entry in ClinVar:

ClinVar aggregate classification (germline): Pathogenic (1 of 4 stars; one submission).

Conditions:
Ehlers-Danlos syndrome due to tenascin-X deficiency (EDSCLL1). Also called: EDS DUE TO TNX DEFICIENCY; TNX DEFICIENCY; Ehlers-Danlos syndrome, classic-like, 1; EHLERS-DANLOS SYNDROME, CLASSIC-LIKE; TNXB-Related Classical-Like Ehlers-Danlos Syndrome. Identifiers: Orphanet 230839, MedGen C1848029, MONDO:0011670, OMIM 606408.

Submission:

Myriad Genetics, Inc.
Classification: Pathogenic for Ehlers-Danlos syndrome due to tenascin-X deficiency. Last evaluated: 2025-08-07. Review status: criteria provided, single submitter. Criteria: Myriad Autosomal Dominant, Autosomal Recessive and X-Linked Classification Criteria (2023). Collection method: clinical testing. Allele origin: unknown.
Comment: NM_019105.6(TNXB):c.2664delT(E889Kfs*7) is expected to be pathogenic in the context of classical-like Ehlers-Danlos syndrome, TNXB-related. This variant is predicted to lead to an abnormal or absent protein product due to the creation of a premature termination codon in TNXB, a gene where loss-of-function variants are known to be pathogenic. Please note: this variant was assessed in the context of healthy population screening.

NM_001365276.2(TNXB):c.2664del (p.Glu889fs)

Gene: TNXB (tenascin XB; minus strand). Cytogenetic location: 6p21.33.
Variant type: Deletion.
Coding change: c.2664del on transcript NM_001365276.2 (MANE Select); coding-DNA position 2664, one base deleted (T; older notation c.2664delT).
Protein change: p.Glu889fs; shifts the reading frame from glutamic acid 889.
Molecular consequence: frameshift variant.
Genome position (GRCh38, 1-based): chr6:32,088,900, A deleted on the plus strand (T on the coding strand, the reverse complement: TNXB is on the minus strand). VCF-style (leftmost placement, unchanged base first): chr6-32088899-CA-C. GRCh37 (hg19) VCF-style: chr6-32056676-CA-C.
Other names: c.2664del, p.Glu889fs (NM_001428335.1, NM_019105.8); short protein forms E889fs.
Identifiers: ClinVar variation 5014835 (VCV005014835.1).
Genomic context (GRCh38, chr6:32,088,899, plus strand): 5'-TGACAGTCACCACATATTCTACGCCTGGCATCAGGTCAGTCAGCAGCGTCCCGTCTGCTT[CA>C]GGGGGCACTTCCAGCCTCACCCTCTGGTTGCCGGCACTGACGTAGGACACCACAAATCGG-3'